The following is an entry in ClinVar:

ClinVar aggregate classification (germline): Conflicting classifications of pathogenicity. Review status: criteria provided, conflicting classifications (1 of 4 stars). 4 submissions from 3 submitters: Uncertain significance (1); Benign (2); Likely benign (1). Last evaluated 2026-02-01.

Conditions:
Retinitis pigmentosa (RP). Identifiers: Orphanet 791, MedGen C0035334, MeSH D012174, MONDO:0019200, OMIM 268000. Inheritance: Autosomal dominant, autosomal recessive and X linked inheritance.
Congenital stationary night blindness autosomal dominant 2. Also called: NIGHT BLINDNESS, CONGENITAL STATIONARY, RAMBUSCH TYPE. Identifiers: Orphanet 215, MedGen C1876182, MONDO:0008099, OMIM 163500.

Allele frequency attached by ClinVar (database versions not stated): ESP Exome Variant Server 0.00038; gnomAD exomes 0.00039 and 0.00070; ExAC 0.00051; TOPMed 0.00053; 1000 Genomes Project 0.00060; 1000 Genomes Project 30x 0.00062.
gnomAD v4.1: 699 of 1,613,766 alleles (0.043%); highest among the groups gnomAD compares: Middle Eastern, 0.066%; no homozygotes.

Submissions (4):

Labcorp Genetics (formerly Invitae), Labcorp
Classification: Benign. Last evaluated: 2026-02-01. Review status: criteria provided, single submitter. Criteria: Invitae Variant Classification Sherloc (09022015). Collection method: clinical testing. Allele origin: germline.

Blueprint Genetics
Classification: Likely benign. Last evaluated: 2024-10-22. Review status: criteria provided, single submitter. Criteria: ACMG Guidelines, 2015. Collection method: clinical testing. Allele origin: germline.

Illumina Laboratory Services, Illumina
Classification: Uncertain significance for Retinitis pigmentosa. Last evaluated: 2018-01-12. Review status: criteria provided, single submitter. Criteria: ICSL Variant Classification Criteria 13 December 2019. Collection method: clinical testing. Allele origin: germline.

Illumina Laboratory Services, Illumina
Classification: Benign for Congenital stationary night blindness autosomal dominant 2. Last evaluated: 2018-01-12. Review status: criteria provided, single submitter. Criteria: ICSL Variant Classification Criteria 13 December 2019. Collection method: clinical testing. Allele origin: germline.
Comment: This variant was observed in the ICSL laboratory as part of a predisposition screen in an ostensibly healthy population. It had not been previously curated by ICSL or reported in the Human Gene Mutation Database (HGMD: prior to June 1st, 2018), and was therefore a candidate for classification through an automated scoring system. Utilizing variant allele frequency, disease prevalence and penetrance estimates, and inheritance mode, an automated score was calculated to assess if this variant is too frequent to cause the disease. Based on the score and internal cut-off values, a variant classified as benign is not then subjected to further curation. The score for this variant resulted in a classification of benign for this disease.

NM_000283.4(PDE6B):c.852+12G>A

Genes: PDE6B (phosphodiesterase 6B; plus strand), PDE6B-AS1 (PDE6B antisense RNA 1; minus strand). Cytogenetic location: 4p16.3.
Variant type: single nucleotide variant.
Coding change: c.852+12G>A on transcript NM_000283.4 (MANE Select); 12 bases into the intron after coding-DNA position 852, G replaced by A.
Molecular consequence: intron variant.
Genome position (GRCh38, 1-based): chr4:654,004, G>A. VCF-style: chr4-654004-G-A. GRCh37 (hg19) VCF-style: chr4-647793-G-A.
Other names: c.852+12G>A (NM_001145291.2); c.15+12G>A (NM_001379246.1, NM_001379247.1, NM_001145292.2 and 1 more transcripts); c.-189+12G>A (NM_001350155.3).
Identifiers: ClinVar variation 349364 (VCV000349364.14), dbSNP rs201676629, ClinGen allele CA2794146.